The following is an entry in ClinVar:

NM_181705.4(LYRM7):c.12A>G (p.Ala4=)

Gene: LYRM7 (LYR motif containing 7; plus strand). Cytogenetic location: 5q23.3.
Variant type: single nucleotide variant.
Coding change: c.12A>G on transcript NM_181705.4 (MANE Select); coding-DNA position 12, A replaced by G.
Protein change: p.Ala4=; no amino-acid change (alanine 4 retained).
Molecular consequence: synonymous variant. On other transcripts: non-coding transcript variant (1).
Genome position (GRCh38, 1-based): chr5:131,171,032, A>G. VCF-style: chr5-131171032-A-G. GRCh37 (hg19) VCF-style: chr5-130506725-A-G.
Other names: c.12A>G, p.Ala4= (NM_001293735.2).
Identifiers: ClinVar variation 3665508 (VCV003665508.2).

ClinVar aggregate classification (germline): Uncertain significance (1 of 4 stars; one submission).

gnomAD v4.1: 5 of 1,534,188 alleles (0.00033%); highest among the groups gnomAD compares: Middle Eastern, 0.017%; no homozygotes.

Submission:

Labcorp Genetics (formerly Invitae), Labcorp
Classification: Uncertain significance. Last evaluated: 2025-01-12. Review status: criteria provided, single submitter. Criteria: Invitae Variant Classification Sherloc (09022015). Collection method: clinical testing. Allele origin: germline.
Comment: This sequence change affects codon 4 of the LYRM7 mRNA. It is a 'silent' change, meaning that it does not change the encoded amino acid sequence of the LYRM7 protein. This variant is present in population databases (no rsID available, gnomAD no frequency). This variant has not been reported in the literature in individuals affected with LYRM7-related conditions. Algorithms developed to predict the effect of sequence changes on RNA splicing suggest that this variant may disrupt the consensus splice site. In summary, the available evidence is currently insufficient to determine the role of this variant in disease. Therefore, it has been classified as a Variant of Uncertain Significance.